The following is an entry in ClinVar:

ClinVar aggregate classification (germline): Uncertain significance (1 of 4 stars; one submission).

Submission:

Labcorp Genetics (formerly Invitae), Labcorp
Classification: Uncertain significance. Last evaluated: 2022-01-13. Review status: criteria provided, single submitter. Criteria: Invitae Variant Classification Sherloc (09022015). Collection method: clinical testing. Allele origin: germline.
Comment: In summary, the available evidence is currently insufficient to determine the role of this variant in disease. Therefore, it has been classified as a Variant of Uncertain Significance. Algorithms developed to predict the effect of missense changes on protein structure and function are either unavailable or do not agree on the potential impact of this missense change (SIFT: "Tolerated"; PolyPhen-2: "Not Available"; Align-GVGD: "Class C0"). This variant has not been reported in the literature in individuals affected with PDZD7-related conditions. This variant is not present in population databases (gnomAD no frequency). This sequence change replaces aspartic acid, which is acidic and polar, with asparagine, which is neutral and polar, at codon 375 of the PDZD7 protein (p.Asp375Asn).

NM_001195263.2(PDZD7):c.1123G>A (p.Asp375Asn)

Gene: PDZD7 (PDZ domain containing 7; minus strand). Cytogenetic location: 10q24.31.
Variant type: single nucleotide variant.
Coding change: c.1123G>A on transcript NM_001195263.2 (MANE Select); coding-DNA position 1123, G replaced by A.
Protein change: p.Asp375Asn; replaces aspartic acid 375 with asparagine.
Molecular consequence: missense variant.
Genome position (GRCh38, 1-based): chr10:101,019,023, C>T on the plus strand (G>A on the coding strand, the complement: PDZD7 is on the minus strand). VCF-style: chr10-101019023-C-T. GRCh37 (hg19) VCF-style: chr10-102778780-C-T.
Other names: c.1123G>A, p.Asp375Asn (NM_001351044.2, NM_024895.5); short protein forms D375N.
Identifiers: ClinVar variation 1511461 (VCV001511461.8), dbSNP rs893313280, ClinGen allele CA212984069.